The following is an entry in ClinVar:

NM_001330260.2(SCN8A):c.3459A>G (p.Glu1153=)

Gene: SCN8A (sodium voltage-gated channel alpha subunit 8; plus strand). Cytogenetic location: 12q13.13.
Variant type: single nucleotide variant.
Coding change: c.3459A>G on transcript NM_001330260.2 (MANE Select); coding-DNA position 3459, A replaced by G.
Protein change: p.Glu1153=; no amino-acid change (glutamic acid 1153 retained).
Molecular consequence: synonymous variant.
Genome position (GRCh38, 1-based): chr12:51,769,954, A>G. VCF-style: chr12-51769954-A-G. GRCh37 (hg19) VCF-style: chr12-52163738-A-G.
Other names: c.3459A>G, p.Glu1153= (NM_001177984.3, NM_001369788.1, NM_014191.4).
Identifiers: ClinVar variation 386882 (VCV000386882.5), dbSNP rs1057522632, ClinGen allele CA16606574.

ClinVar aggregate classification (germline): Likely benign. Review status: criteria provided, multiple submitters, no conflicts (2 of 4 stars). 2 submissions from 2 submitters: Likely benign (2). Last evaluated 2026-01-06.

Conditions:
Early-infantile DEE. Also called: Ohtahara syndrome; Early infantile epileptic encephalopathy; Early infantile epileptic encephalopathy with suppression bursts. Identifiers: Orphanet 1934, MedGen C0393706, MONDO:0800491.

Allele frequency attached by ClinVar (database versions not stated): gnomAD exomes below 0.00001; TOPMed 0.00001.
gnomAD v4.1: 3 of 1,605,110 alleles (0.00019%); highest among the groups gnomAD compares: Admixed American, 0.0017%; no homozygotes.

Submissions (2):

Labcorp Genetics (formerly Invitae), Labcorp
Classification: Likely benign for Early-infantile DEE. Last evaluated: 2026-01-06. Review status: criteria provided, single submitter. Criteria: Invitae Variant Classification Sherloc (09022015). Collection method: clinical testing. Allele origin: germline.

GeneDx
Classification: Likely benign. Last evaluated: 2016-06-14. Review status: criteria provided, single submitter. Criteria: GeneDx Variant Classification (06012015). Collection method: clinical testing. Allele origin: germline. Affected: yes.
Comment: This variant is considered likely benign or benign based on one or more of the following criteria: it is a conservative change, it occurs at a poorly conserved position in the protein, it is predicted to be benign by multiple in silico algorithms, and/or has population frequency not consistent with disease.